The following is an entry in ClinVar:

ClinVar aggregate classification (germline): Uncertain significance (1 of 4 stars; one submission).

Conditions:
Senior-Loken syndrome 7 (SLSN7). Identifiers: Orphanet 3156, MedGen C3150877, MONDO:0013326, OMIM 613615.
Bardet-Biedl syndrome 16 (BBS16). Identifiers: Orphanet 110, MedGen C3889474, MONDO:0014444, OMIM 615993.

Allele frequency attached by ClinVar (database versions not stated): TOPMed below 0.00001.

Submission:

Labcorp Genetics (formerly Invitae), Labcorp
Classification: Uncertain significance for Bardet-Biedl syndrome 16; Senior-Loken syndrome 7. Last evaluated: 2022-06-27. Review status: criteria provided, single submitter. Criteria: Invitae Variant Classification Sherloc (09022015). Collection method: clinical testing. Allele origin: germline.
Comment: ClinVar contains an entry for this variant (Variation ID: 1018813). In summary, the available evidence is currently insufficient to determine the role of this variant in disease. Therefore, it has been classified as a Variant of Uncertain Significance. Algorithms developed to predict the effect of missense changes on protein structure and function (SIFT, PolyPhen-2, Align-GVGD) all suggest that this variant is likely to be disruptive. This variant has not been reported in the literature in individuals affected with SDCCAG8-related conditions. This variant is not present in population databases (gnomAD no frequency). This sequence change replaces leucine, which is neutral and non-polar, with arginine, which is basic and polar, at codon 537 of the SDCCAG8 protein (p.Leu537Arg).

NM_006642.5(SDCCAG8):c.1610T>G (p.Leu537Arg)

Gene: SDCCAG8 (SHH signaling and ciliogenesis regulator SDCCAG8; plus strand). Cytogenetic location: 1q43.
Variant type: single nucleotide variant.
Coding change: c.1610T>G on transcript NM_006642.5 (MANE Select); coding-DNA position 1610, T replaced by G.
Protein change: p.Leu537Arg; replaces leucine 537 with arginine.
Molecular consequence: missense variant.
Genome position (GRCh38, 1-based): chr1:243,378,857, T>G. VCF-style: chr1-243378857-T-G. GRCh37 (hg19) VCF-style: chr1-243542159-T-G.
Other names: c.707T>G, p.Leu236Arg (NM_001350246.2, NM_001350247.2, NM_001350251.2); c.1706T>G, p.Leu569Arg (NM_001350248.2); c.1316T>G, p.Leu439Arg (NM_001350249.2); short protein forms L236R, L439R, L537R, L569R.
Identifiers: ClinVar variation 1018813 (VCV001018813.10), dbSNP rs1032332223, ClinGen allele CA40457351.
Genomic context (GRCh38, chr1:243,378,857, plus strand): 5'-CCAGAGAGGAGTGCCTGAGACTAACAGAACTGCTGGGCGAATCTGAGCACCAACTGCACC[T>G]CACCAGGTACTCCCTAATCCCATTATGCGCCATAGCACCGATTTCATTCCACTGATTTTT-3'
Protein context (NP_006633.1, residues 527-547): LLGESEHQLH[Leu537Arg]TRQEKDSIQQ